The following is an entry in ClinVar:

NM_001023570.4(IQCB1):c.1093G>A (p.Glu365Lys)

Gene: IQCB1 (IQ motif containing B1; minus strand). Cytogenetic location: 3q13.33.
Variant type: single nucleotide variant.
Coding change: c.1093G>A on transcript NM_001023570.4 (MANE Select); coding-DNA position 1093, G replaced by A.
Protein change: p.Glu365Lys; replaces glutamic acid 365 with lysine.
Molecular consequence: missense variant. On other transcripts: non-coding transcript variant (1).
Genome position (GRCh38, 1-based): chr3:121,790,109, C>T on the plus strand (G>A on the coding strand, the complement: IQCB1 is on the minus strand). VCF-style: chr3-121790109-C-T. GRCh37 (hg19) VCF-style: chr3-121508956-C-T.
Other names: c.694G>A, p.Glu232Lys (NM_001023571.4); c.1093G>A, p.Glu365Lys (NM_001319107.2); short protein forms E232K, E365K.
Identifiers: ClinVar variation 1009799 (VCV001009799.7), dbSNP rs371844518, ClinGen allele CA2567208.

ClinVar aggregate classification (germline): Uncertain significance. Review status: criteria provided, multiple submitters, no conflicts (2 of 4 stars). 2 submissions from 2 submitters: Uncertain significance (2). Last evaluated 2024-02-12.

Conditions:
Nephronophthisis. Also called: Juvenile Nephronophthisis. Identifiers: Orphanet 655, MedGen C0687120, MONDO:0019005, HP:0000090.
Senior-Loken syndrome 5 (SLSN5). Identifiers: Orphanet 3156, MedGen C1836517, MONDO:0012225, OMIM 609254.

Allele frequency attached by ClinVar (database versions not stated): ExAC 0.00001; gnomAD exomes 0.00001 and 0.00003; TOPMed 0.00002; gnomAD 0.00003 and 0.00004; ESP Exome Variant Server 0.00015.
gnomAD v4.1: 44 of 1,613,612 alleles (0.0027%); highest among the groups gnomAD compares: Non-Finnish European, 0.0037%; no homozygotes.

Submissions (2):

Fulgent Genetics
Classification: Uncertain significance for Senior-Loken syndrome 5. Last evaluated: 2024-02-12. Review status: criteria provided, single submitter. Criteria: ACMG Guidelines, 2015. Collection method: clinical testing. Allele origin: germline.

Labcorp Genetics (formerly Invitae), Labcorp
Classification: Uncertain significance for Nephronophthisis. Last evaluated: 2022-06-20. Review status: criteria provided, single submitter. Criteria: Invitae Variant Classification Sherloc (09022015). Collection method: clinical testing. Allele origin: germline.
Comment: This sequence change replaces glutamic acid, which is acidic and polar, with lysine, which is basic and polar, at codon 365 of the IQCB1 protein (p.Glu365Lys). This variant is present in population databases (rs371844518, gnomAD 0.005%). This variant has not been reported in the literature in individuals affected with IQCB1-related conditions. ClinVar contains an entry for this variant (Variation ID: 1009799). Algorithms developed to predict the effect of missense changes on protein structure and function are either unavailable or do not agree on the potential impact of this missense change (SIFT: "Deleterious"; PolyPhen-2: "Possibly Damaging"; Align-GVGD: "Class C0"). In summary, the available evidence is currently insufficient to determine the role of this variant in disease. Therefore, it has been classified as a Variant of Uncertain Significance.